The following is an entry in ClinVar:

NM_001077653.2(TBX20):c.1190T>C (p.Leu397Pro)

Gene: TBX20 (T-box transcription factor 20; minus strand). Cytogenetic location: 7p14.2.
Variant type: single nucleotide variant.
Coding change: c.1190T>C on transcript NM_001077653.2 (MANE Select); coding-DNA position 1190, T replaced by C.
Protein change: p.Leu397Pro; replaces leucine 397 with proline.
Molecular consequence: missense variant.
Genome position (GRCh38, 1-based): chr7:35,202,584, A>G on the plus strand (T>C on the coding strand, the complement: TBX20 is on the minus strand). VCF-style: chr7-35202584-A-G. GRCh37 (hg19) VCF-style: chr7-35242196-A-G.
Other names: short protein forms L397P.
Identifiers: ClinVar variation 3232608 (VCV003232608.3), dbSNP rs779622893, ClinGen allele CA367263027.
Genomic context (GRCh38, chr7:35,202,584, plus strand): 5'-TGGAATGAAGGGAATGTGGGGCCACTCCCTTGCATGGAGCTGGCAATGGCCGATGGTGTC[A>G]GAGGCATTCCCAGTCGGCTATATGGTGGCAGAGAACCCTGGATGGGGTGAGGAATGGGTG-3'
Protein context (NP_001071121.1, residues 387-407): LPPYSRLGMP[Leu397Pro]TPSAIASSMQ

ClinVar aggregate classification (germline): Uncertain significance. Review status: criteria provided, multiple submitters, no conflicts (2 of 4 stars). 2 submissions from 2 submitters: Uncertain significance (2). Last evaluated 2026-05-12.

Conditions:
Cardiovascular phenotype. Identifiers: MedGen CN230736.

gnomAD v4.1: 3 of 1,614,122 alleles (0.00019%); highest among the groups gnomAD compares: Non-Finnish European, 0.00025%; no homozygotes.

Submissions (2):

Ambry Genetics
Classification: Uncertain significance for Cardiovascular phenotype. Last evaluated: 2026-05-12. Review status: criteria provided, single submitter. Criteria: Ambry Variant Classification Scheme 2023. Collection method: clinical testing. Allele origin: germline.

Labcorp Genetics (formerly Invitae), Labcorp
Classification: Uncertain significance. Last evaluated: 2025-10-31. Review status: criteria provided, single submitter. Criteria: Invitae Variant Classification Sherloc (09022015). Collection method: clinical testing. Allele origin: germline.
Comment: This sequence change replaces leucine, which is neutral and non-polar, with proline, which is neutral and non-polar, at codon 397 of the TBX20 protein (p.Leu397Pro). This variant is present in population databases (no rsID available, gnomAD 0.0009%). This variant has not been reported in the literature in individuals affected with TBX20-related conditions. ClinVar contains an entry for this variant (Variation ID: 3232608). Invitae Evidence Modeling of protein sequence and biophysical properties (such as structural, functional, and spatial information, amino acid conservation, physicochemical variation, residue mobility, and thermodynamic stability) indicates that this missense variant is not expected to disrupt TBX20 protein function with a negative predictive value of 80%. In summary, the available evidence is currently insufficient to determine the role of this variant in disease. Therefore, it has been classified as a Variant of Uncertain Significance.